The following is an entry in ClinVar:

NM_001330078.2(NRXN1):c.1412T>C (p.Phe471Ser)

Gene: NRXN1 (neurexin 1; minus strand). Cytogenetic location: 2p16.3.
Variant type: single nucleotide variant.
Coding change: c.1412T>C on transcript NM_001330078.2 (MANE Select); coding-DNA position 1412, T replaced by C.
Protein change: p.Phe471Ser; replaces phenylalanine 471 with serine.
Molecular consequence: missense variant.
Genome position (GRCh38, 1-based): chr2:50,552,934, A>G on the plus strand (T>C on the coding strand, the complement: NRXN1 is on the minus strand). VCF-style: chr2-50552934-A-G. GRCh37 (hg19) VCF-style: chr2-50780072-A-G.
Other names: c.1532T>C (NM_001135659.1); c.1532T>C, p.Phe511Ser (NM_001135659.3); c.1388T>C, p.Phe463Ser (NM_001330077.2, NM_001330082.2, NM_001330095.2); c.1373T>C, p.Phe458Ser (NM_001330083.2, NM_001330084.2); c.1412T>C, p.Phe471Ser (NM_001330085.2, NM_001330086.2, NM_004801.6); c.1328T>C, p.Phe443Ser (NM_001330087.2, NM_001330096.2); c.1358T>C, p.Phe453Ser (NM_001330088.2); c.1409T>C, p.Phe470Ser (NM_001330093.2); and 1 more; short protein forms F453S, F458S, F511S, F470S, F443S, F463S, F471S, F467S.
Identifiers: ClinVar variation 2124700 (VCV002124700.5), dbSNP rs1458831643, ClinGen allele CA346774260.

ClinVar aggregate classification (germline): Uncertain significance. Review status: criteria provided, multiple submitters, no conflicts (2 of 4 stars). 2 submissions from 2 submitters: Uncertain significance (2). Last evaluated 2024-09-04.

Conditions:
Inborn genetic diseases. Identifiers: MedGen C0950123, MeSH D030342.
Pitt-Hopkins-like syndrome 2 (PTHSL2). Identifiers: Orphanet 221150, Orphanet 600663, MedGen C3280479, MONDO:0013690, OMIM 614325.

Allele frequency attached by ClinVar (database versions not stated): TOPMed below 0.00001.

Submissions (2):

Ambry Genetics
Classification: Uncertain significance for Inborn genetic diseases. Last evaluated: 2024-09-04. Review status: criteria provided, single submitter. Criteria: Ambry Variant Classification Scheme 2023. Collection method: clinical testing. Allele origin: germline.

Labcorp Genetics (formerly Invitae), Labcorp
Classification: Uncertain significance for Pitt-Hopkins-like syndrome 2. Last evaluated: 2022-08-23. Review status: criteria provided, single submitter. Criteria: Invitae Variant Classification Sherloc (09022015). Collection method: clinical testing. Allele origin: germline.
Comment: This variant is not present in population databases (gnomAD no frequency). This sequence change replaces phenylalanine, which is neutral and non-polar, with serine, which is neutral and polar, at codon 511 of the NRXN1 protein (p.Phe511Ser). This variant has not been reported in the literature in individuals affected with NRXN1-related conditions. In summary, the available evidence is currently insufficient to determine the role of this variant in disease. Therefore, it has been classified as a Variant of Uncertain Significance. Algorithms developed to predict the effect of missense changes on protein structure and function (SIFT, PolyPhen-2, Align-GVGD) all suggest that this variant is likely to be disruptive.